The following is an entry in ClinVar:

NM_014049.5(ACAD9):c.808+20G>A

Gene: ACAD9 (acyl-CoA dehydrogenase family member 9; plus strand). Cytogenetic location: 3q21.3.
Variant type: single nucleotide variant.
Coding change: c.808+20G>A on transcript NM_014049.5 (MANE Select); 20 bases into the intron after coding-DNA position 808, G replaced by A.
Molecular consequence: intron variant.
Genome position (GRCh38, 1-based): chr3:128,899,481, G>A. VCF-style: chr3-128899481-G-A. GRCh37 (hg19) VCF-style: chr3-128618324-G-A.
Identifiers: ClinVar variation 381391 (VCV000381391.10), dbSNP rs531217490, ClinGen allele CA2601275.

ClinVar aggregate classification (germline): Benign/Likely benign. Review status: criteria provided, multiple submitters, no conflicts (2 of 4 stars). 3 submissions from 3 submitters: Benign (1); Likely benign (2). Last evaluated 2026-01-29.

Allele frequency attached by ClinVar (database versions not stated): gnomAD 0.00008 and 0.00019; TOPMed 0.00010; gnomAD exomes 0.00025 and 0.00056; ExAC 0.00058; 1000 Genomes Project 0.00140; 1000 Genomes Project 30x 0.00156.
gnomAD v4.1: 407 of 1,612,568 alleles (0.025%); highest among the groups gnomAD compares: South Asian, 0.28%; 3 homozygotes.

Submissions (3):

Labcorp Genetics (formerly Invitae), Labcorp
Classification: Benign. Last evaluated: 2026-01-29. Review status: criteria provided, single submitter. Criteria: Invitae Variant Classification Sherloc (09022015). Collection method: clinical testing. Allele origin: germline.

Blueprint Genetics
Classification: Likely benign. Last evaluated: 2024-11-21. Review status: criteria provided, single submitter. Criteria: ACMG Guidelines, 2015. Collection method: clinical testing. Allele origin: germline.

GeneDx
Classification: Likely benign. Last evaluated: 2017-06-06. Review status: criteria provided, single submitter. Criteria: GeneDx Variant Classification (06012015). Collection method: clinical testing. Allele origin: germline. Affected: yes.
Comment: This variant is considered likely benign or benign based on one or more of the following criteria: it is a conservative change, it occurs at a poorly conserved position in the protein, it is predicted to be benign by multiple in silico algorithms, and/or has population frequency not consistent with disease.